The following is an entry in ClinVar:

NM_021098.3(CACNA1H):c.1726T>C (p.Tyr576His)

Gene: CACNA1H (calcium voltage-gated channel subunit alpha1 H; plus strand). Cytogenetic location: 16p13.3.
Variant type: single nucleotide variant.
Coding change: c.1726T>C on transcript NM_021098.3 (MANE Select); coding-DNA position 1726, T replaced by C.
Protein change: p.Tyr576His; replaces tyrosine 576 with histidine.
Molecular consequence: missense variant.
Genome position (GRCh38, 1-based): chr16:1,202,176, T>C. VCF-style: chr16-1202176-T-C. GRCh37 (hg19) VCF-style: chr16-1252176-T-C.
Other names: c.1726T>C, p.Tyr576His (NM_001005407.2); c.1726T>C (NM_021098.2); short protein forms Y576H.
Identifiers: ClinVar variation 2193937 (VCV002193937.5), dbSNP rs1397304606, ClinGen allele CA394162118.
Genomic context (GRCh38, chr16:1,202,176, plus strand): 5'-CCCCCCTCGCCACCTTCCCCAGGCCGCGGACCCCCCGACGCAGAGTCTGTGCACAGCATC[T>C]ACCATGCCGACTGCCACATAGAGGGGCCGCAGGAGAGGGCCCGGGTGGCACATGCCGCAG-3'
Protein context (NP_066921.2, residues 566-586): PPDAESVHSI[Tyr576His]HADCHIEGPQ

ClinVar aggregate classification (germline): Uncertain significance. Review status: criteria provided, multiple submitters, no conflicts (2 of 4 stars). 2 submissions from 2 submitters: Uncertain significance (2). Last evaluated 2024-11-07.

Conditions:
Idiopathic generalized epilepsy. Also called: Generalised epilepsy; EIG. Identifiers: MedGen C0270850, MONDO:0005579, OMIM 600669.
Hyperaldosteronism, familial, type IV (HALD4). Also called: FH IV; ALDOSTERONISM, PRIMARY, AND HYPERTENSION. Identifiers: Orphanet 642671, MedGen C4310756, MONDO:0014875, OMIM 617027.
Inborn genetic diseases. Identifiers: MedGen C0950123, MeSH D030342.

Allele frequency attached by ClinVar (database versions not stated): gnomAD 0.00001; gnomAD exomes 0.00001; TOPMed 0.00001.
gnomAD v4.1: 9 of 1,552,228 alleles (0.00058%); highest among the groups gnomAD compares: Non-Finnish European, 0.00078%; no homozygotes.

Submissions (2):

Labcorp Genetics (formerly Invitae), Labcorp
Classification: Uncertain significance for Idiopathic generalized epilepsy; Hyperaldosteronism, familial, type IV. Last evaluated: 2024-11-07. Review status: criteria provided, single submitter. Criteria: Invitae Variant Classification Sherloc (09022015). Collection method: clinical testing. Allele origin: germline.
Comment: This sequence change replaces tyrosine, which is neutral and polar, with histidine, which is basic and polar, at codon 576 of the CACNA1H protein (p.Tyr576His). This variant is not present in population databases (gnomAD no frequency). This variant has not been reported in the literature in individuals affected with CACNA1H-related conditions. ClinVar contains an entry for this variant (Variation ID: 2193937). Invitae Evidence Modeling of protein sequence and biophysical properties (such as structural, functional, and spatial information, amino acid conservation, physicochemical variation, residue mobility, and thermodynamic stability) indicates that this missense variant is not expected to disrupt CACNA1H protein function with a negative predictive value of 80%. In summary, the available evidence is currently insufficient to determine the role of this variant in disease. Therefore, it has been classified as a Variant of Uncertain Significance.

Ambry Genetics
Classification: Uncertain significance for Inborn genetic diseases. Last evaluated: 2022-06-09. Review status: criteria provided, single submitter. Criteria: Ambry Variant Classification Scheme 2023. Collection method: clinical testing. Allele origin: germline.